The following is an entry in ClinVar:

ClinVar aggregate classification (germline): Uncertain significance (1 of 4 stars; one submission).

Submission:

Labcorp Genetics (formerly Invitae), Labcorp
Classification: Uncertain significance. Last evaluated: 2025-07-14. Review status: criteria provided, single submitter. Criteria: Invitae Variant Classification Sherloc (09022015). Collection method: clinical testing. Allele origin: germline.
Comment: This sequence change affects an acceptor splice site in intron 8 of the MCM5 gene. It is expected to disrupt RNA splicing. Variants that disrupt the donor or acceptor splice site typically lead to a loss of protein function (PMID: 16199547), however the current clinical and genetic evidence is not sufficient to establish whether loss-of-function variants in MCM5 cause disease. This variant is not present in population databases (gnomAD no frequency). This variant has not been reported in the literature in individuals affected with MCM5-related conditions. Algorithms developed to predict the effect of sequence changes on RNA splicing suggest that this variant may disrupt the consensus splice site. In summary, the available evidence is currently insufficient to determine the role of this variant in disease. Therefore, it has been classified as a Variant of Uncertain Significance.

Literature cited by the submitters: PubMed 16199547.

NM_006739.4(MCM5):c.1092-2A>G

Gene: MCM5 (minichromosome maintenance complex component 5; plus strand). Cytogenetic location: 22q12.3.
Variant type: single nucleotide variant.
Coding change: c.1092-2A>G on transcript NM_006739.4 (MANE Select); the canonical splice acceptor site of the intron before coding-DNA position 1092, A replaced by G.
Molecular consequence: splice acceptor variant.
Genome position (GRCh38, 1-based): chr22:35,413,873, A>G. VCF-style: chr22-35413873-A-G. GRCh37 (hg19) VCF-style: chr22-35809866-A-G.
Identifiers: ClinVar variation 4723236 (VCV004723236.1).
Genomic context (GRCh38, chr22:35,413,873, plus strand): 5'-TGGATGTCACATGCGATGCCCTCATGGATTCTCACCTTGTCCATCTACCCTTCGTCCCCC[A>G]GGCTCCCTGATGGACTTACTCGCCGAGGAGACATCAACCTGCTGATGCTAGGGGACCCTG-3'